The following is an entry in ClinVar:

NM_000179.3(MSH6):c.3190G>C (p.Ala1064Pro)

Gene: MSH6 (mutS homolog 6; plus strand). Cytogenetic location: 2p16.3.
Variant type: single nucleotide variant.
Coding change: c.3190G>C on transcript NM_000179.3 (MANE Select); coding-DNA position 3190, G replaced by C.
Protein change: p.Ala1064Pro; replaces alanine 1064 with proline.
Molecular consequence: missense variant.
Genome position (GRCh38, 1-based): chr2:47,803,437, G>C. VCF-style: chr2-47803437-G-C. GRCh37 (hg19) VCF-style: chr2-48030576-G-C.
Other names: c.2800G>C, p.Ala934Pro (NM_001281492.2); c.2284G>C, p.Ala762Pro (NM_001281493.2, NM_001281494.2); short protein forms A1064P, A762P, A934P.
Identifiers: ClinVar variation 959034 (VCV000959034.12), dbSNP rs587782492, ClinGen allele CA346757846.
Genomic context (GRCh38, chr2:47,803,437, plus strand): 5'-CCCCCAAACGATGAAGCCTCACTTTTACCCTCTCTTTTAACAGATGTTTTACTGTGCCTG[G>C]CTAACTATAGTCGAGGGGGTGATGGTCCTATGTGTCGCCCAGTAATTCTGTTGCCGGAAG-3'
Protein context (NP_000170.1, residues 1054-1074): IAVLDVLLCL[Ala1064Pro]NYSRGGDGPM

ClinVar aggregate classification (germline): Uncertain significance. Review status: criteria provided, multiple submitters, no conflicts (2 of 4 stars). 2 submissions from 2 submitters: Uncertain significance (2). Last evaluated 2023-05-07.

Conditions:
Hereditary cancer-predisposing syndrome. Also called: Tumor predisposition; Hereditary neoplastic syndrome; Neoplastic Syndromes, Hereditary; Hereditary Cancer Syndrome. Identifiers: Orphanet 140162, MedGen C0027672, MeSH D009386, MONDO:0015356.
Hereditary nonpolyposis colorectal neoplasms. Identifiers: MedGen C0009405, MeSH D003123.

Submissions (2):

Labcorp Genetics (formerly Invitae), Labcorp
Classification: Uncertain significance for Hereditary nonpolyposis colorectal neoplasms. Last evaluated: 2023-05-07. Review status: criteria provided, single submitter. Criteria: Invitae Variant Classification Sherloc (09022015). Collection method: clinical testing. Allele origin: germline.
Comment: This sequence change replaces alanine, which is neutral and non-polar, with proline, which is neutral and non-polar, at codon 1064 of the MSH6 protein (p.Ala1064Pro). This variant is not present in population databases (gnomAD no frequency). This variant has not been reported in the literature in individuals affected with MSH6-related conditions. ClinVar contains an entry for this variant (Variation ID: 959034). Advanced modeling of protein sequence and biophysical properties (such as structural, functional, and spatial information, amino acid conservation, physicochemical variation, residue mobility, and thermodynamic stability) has been performed at Invitae for this missense variant, however the output from this modeling did not meet the statistical confidence thresholds required to predict the impact of this variant on MSH6 protein function. In summary, the available evidence is currently insufficient to determine the role of this variant in disease. Therefore, it has been classified as a Variant of Uncertain Significance.

Ambry Genetics
Classification: Uncertain significance for Hereditary cancer-predisposing syndrome. Last evaluated: 2017-11-01. Review status: criteria provided, single submitter. Criteria: Ambry Variant Classification Scheme 2023. Collection method: clinical testing. Allele origin: germline.
Comment: The p.A1064P variant (also known as c.3190G>C), located in coding exon 5 of the MSH6 gene, results from a G to C substitution at nucleotide position 3190. The alanine at codon 1064 is replaced by proline, an amino acid with highly similar properties. This amino acid position is not well conserved in available vertebrate species. In addition, this alteration is predicted to be deleterious by in silico analysis. In addition, the CoDP in silico tool predicts this alteration to have minor impact on molecular function, with a score of 0.423 (Terui H et al. J. Biomed. Sci. 2013 Apr;20:25). Since supporting evidence is limited at this time, the clinical significance of this alteration remains unclear.